The following is an entry in ClinVar:

NM_139343.3(BIN1):c.1607C>A (p.Thr536Lys)

Gene: BIN1 (bridging integrator 1; minus strand). Cytogenetic location: 2q14.3.
Variant type: single nucleotide variant.
Coding change: c.1607C>A on transcript NM_139343.3 (MANE Select); coding-DNA position 1607, C replaced by A.
Protein change: p.Thr536Lys; replaces threonine 536 with lysine.
Molecular consequence: missense variant.
Genome position (GRCh38, 1-based): chr2:127,050,488, G>T on the plus strand (C>A on the coding strand, the complement: BIN1 is on the minus strand). VCF-style: chr2-127050488-G-T. GRCh37 (hg19) VCF-style: chr2-127808064-G-T.
Other names: c.1100C>A, p.Thr367Lys (NM_001320632.2); c.1238C>A, p.Thr413Lys (NM_001320633.2); c.983C>A, p.Thr328Lys (NM_001320634.1); c.1367C>A, p.Thr456Lys (NM_001320640.2); c.1514C>A, p.Thr505Lys (NM_001320641.2); c.1526C>A, p.Thr509Lys (NM_001320642.1); c.1190C>A, p.Thr397Lys (NM_004305.4); c.1478C>A, p.Thr493Lys (NM_139344.3); and 7 more; short protein forms T449K, T505K, T328K, T367K, T425K, T456K, T493K, T509K.
Identifiers: ClinVar variation 1470064 (VCV001470064.8), dbSNP rs773732601, ClinGen allele CA1856969.

ClinVar aggregate classification (germline): Uncertain significance (1 of 4 stars; one submission).

Conditions:
Myopathy, centronuclear, 2 (CNM2). Also called: MYOTUBULAR MYOPATHY, AUTOSOMAL RECESSIVE. Identifiers: Orphanet 169186, MedGen CN031787, MONDO:0009709, OMIM 255200.

Allele frequency attached by ClinVar (database versions not stated): ExAC 0.00002; gnomAD exomes 0.00002.
gnomAD v4.1: 18 of 1,614,246 alleles (0.0011%); highest among the groups gnomAD compares: Non-Finnish European, 0.001%; no homozygotes.

Submission:

Labcorp Genetics (formerly Invitae), Labcorp
Classification: Uncertain significance for Myopathy, centronuclear, 2. Last evaluated: 2024-10-16. Review status: criteria provided, single submitter. Criteria: Invitae Variant Classification Sherloc (09022015). Collection method: clinical testing. Allele origin: germline.
Comment: This sequence change replaces threonine, which is neutral and polar, with lysine, which is basic and polar, at codon 536 of the BIN1 protein (p.Thr536Lys). This variant is present in population databases (rs773732601, gnomAD 0.02%). This variant has not been reported in the literature in individuals affected with BIN1-related conditions. ClinVar contains an entry for this variant (Variation ID: 1470064). Invitae Evidence Modeling of protein sequence and biophysical properties (such as structural, functional, and spatial information, amino acid conservation, physicochemical variation, residue mobility, and thermodynamic stability) indicates that this missense variant is not expected to disrupt BIN1 protein function with a negative predictive value of 80%. In summary, the available evidence is currently insufficient to determine the role of this variant in disease. Therefore, it has been classified as a Variant of Uncertain Significance.